The following is an entry in ClinVar:

NM_205850.3(SLC24A5):c.290T>C (p.Ile97Thr)

Gene: SLC24A5 (solute carrier family 24 member 5; plus strand). Cytogenetic location: 15q21.1.
Variant type: single nucleotide variant.
Coding change: c.290T>C on transcript NM_205850.3 (MANE Select); coding-DNA position 290, T replaced by C.
Protein change: p.Ile97Thr; replaces isoleucine 97 with threonine.
Molecular consequence: missense variant.
Genome position (GRCh38, 1-based): chr15:48,122,025, T>C. VCF-style: chr15-48122025-T-C. GRCh37 (hg19) VCF-style: chr15-48414222-T-C.
Other names: short protein forms I97T.
Identifiers: ClinVar variation 1903585 (VCV001903585.6), dbSNP rs779060779, ClinGen allele CA7545800.
Genomic context (GRCh38, chr15:48,122,025, plus strand): 5'-TTTACATGTTCATGGCCATATCTATTGTCTGTGATGAATACTTCCTACCCTCCCTGGAAA[T>C]CATCAGTGAATGTAAGTGGCTGGAAAGTTGCCCTGTAACCTTCTGGGAGAGTGTGCCACA-3'
Protein context (NP_995322.1, residues 87-107): CDEYFLPSLE[Ile97Thr]ISESLGLSQD

ClinVar aggregate classification (germline): Uncertain significance. Review status: criteria provided, multiple submitters, no conflicts (2 of 4 stars). 2 submissions from 2 submitters: Uncertain significance (2). Last evaluated 2022-11-01.

Conditions:
Inborn genetic diseases. Identifiers: MedGen C0950123, MeSH D030342.

Allele frequency attached by ClinVar (database versions not stated): gnomAD exomes 0.00001; ExAC 0.00003.
gnomAD v4.1: 18 of 1,614,228 alleles (0.0011%); highest among the groups gnomAD compares: East Asian, 0.0089%; no homozygotes.

Submissions (2):

Labcorp Genetics (formerly Invitae), Labcorp
Classification: Uncertain significance. Last evaluated: 2022-11-01. Review status: criteria provided, single submitter. Criteria: Invitae Variant Classification Sherloc (09022015). Collection method: clinical testing. Allele origin: germline.
Comment: In summary, the available evidence is currently insufficient to determine the role of this variant in disease. Therefore, it has been classified as a Variant of Uncertain Significance. This sequence change replaces isoleucine, which is neutral and non-polar, with threonine, which is neutral and polar, at codon 97 of the SLC24A5 protein (p.Ile97Thr). This variant is present in population databases (rs779060779, gnomAD 0.006%). This variant has not been reported in the literature in individuals affected with SLC24A5-related conditions. Advanced modeling of protein sequence and biophysical properties (such as structural, functional, and spatial information, amino acid conservation, physicochemical variation, residue mobility, and thermodynamic stability) performed at Invitae indicates that this missense variant is not expected to disrupt SLC24A5 protein function.

Ambry Genetics
Classification: Uncertain significance for Inborn genetic diseases. Last evaluated: 2022-08-17. Review status: criteria provided, single submitter. Criteria: Ambry Variant Classification Scheme 2023. Collection method: clinical testing. Allele origin: germline.